The following is an entry in ClinVar:

ClinVar aggregate classification (germline): Likely benign. Review status: criteria provided, multiple submitters, no conflicts (2 of 4 stars). 3 submissions from 3 submitters: Likely benign (2). 1 of the submissions does not count toward it. Last evaluated 2024-05-09.

Conditions:
LAMA5-related disorder. Also called: LAMA5-related condition; LAMA5-Related Disorders.

Allele frequency attached by ClinVar (database versions not stated): gnomAD 0.00005; TOPMed 0.00020.
gnomAD v4.1: 17 of 1,607,670 alleles (0.0011%); highest among the groups gnomAD compares: Admixed American, 0.018%; no homozygotes.

Submissions (3):

Labcorp Genetics (formerly Invitae), Labcorp
Classification: Likely benign. Last evaluated: 2024-05-09. Review status: criteria provided, single submitter. Criteria: Invitae Variant Classification Sherloc (09022015). Collection method: clinical testing. Allele origin: germline.

Blueprint Genetics
Classification: Likely benign. Last evaluated: 2022-05-10. Review status: criteria provided, single submitter. Criteria: ACMG Guidelines, 2015. Collection method: clinical testing. Allele origin: germline.

PreventionGenetics, part of Exact Sciences
Classification: Likely benign for LAMA5-related condition. Last evaluated: 2019-08-06. Review status: no assertion criteria provided. Collection method: clinical testing. Allele origin: germline. Not counted in ClinVar's aggregate classification.
Comment: This variant is classified as likely benign based on ACMG/AMP sequence variant interpretation guidelines (Richards et al. 2015 PMID: 25741868, with internal and published modifications).

NM_005560.6(LAMA5):c.7497A>T (p.Ala2499=)

Gene: LAMA5 (laminin subunit alpha 5; minus strand). Cytogenetic location: 20q13.33.
Variant type: single nucleotide variant.
Coding change: c.7497A>T on transcript NM_005560.6 (MANE Select); coding-DNA position 7497, A replaced by T.
Protein change: p.Ala2499=; no amino-acid change (alanine 2499 retained).
Molecular consequence: synonymous variant.
Genome position (GRCh38, 1-based): chr20:62,317,359, T>A on the plus strand (A>T on the coding strand, the complement: LAMA5 is on the minus strand). VCF-style: chr20-62317359-T-A. GRCh37 (hg19) VCF-style: chr20-60892415-T-A.
Identifiers: ClinVar variation 3035519 (VCV003035519.5), dbSNP rs984440507, ClinGen allele CA317242533.